The following is an entry in ClinVar:

ClinVar aggregate classification (germline): Uncertain significance. Review status: criteria provided, multiple submitters, no conflicts (2 of 4 stars). 5 submissions from 5 submitters: Uncertain significance (5). Last evaluated 2026-01-01.

Conditions:
Hereditary cancer-predisposing syndrome. Also called: Neoplastic Syndromes, Hereditary; Tumor predisposition; Hereditary Cancer Syndrome; Hereditary neoplastic syndrome. Identifiers: Orphanet 140162, MedGen C0027672, MeSH D009386, MONDO:0015356.
Colorectal cancer, susceptibility to, 12 (CRCS12). Also called: COLORECTAL CANCER, SUSCEPTIBILITY TO, ON CHROMOSOME 12q24. Identifiers: Orphanet 220460, MedGen C3554460, MONDO:0014038, OMIM 615083.
Facial dysmorphism-immunodeficiency-livedo-short stature syndrome. Also called: Facial dysmorphism, immunodeficiency, livedo, and short stature; FILS syndrome. Identifiers: Orphanet 352712, MedGen C3554576, MONDO:0014058, OMIM 615139.
Intrauterine growth retardation, metaphyseal dysplasia, adrenal hypoplasia congenita, genital anomalies, and immunodeficiency. Also called: IMAGEI SYNDROME. Identifiers: MedGen C5193036, MONDO:0032684, OMIM 618336.

Allele frequency attached by ClinVar (database versions not stated): gnomAD exomes 0.00001 and 0.00002; ExAC 0.00002; TOPMed 0.00003; gnomAD 0.00004.
gnomAD v4.1: 18 of 1,614,006 alleles (0.0011%); highest among the groups gnomAD compares: African/African-American, 0.0053%; no homozygotes.

Submissions (5):

Labcorp Genetics (formerly Invitae), Labcorp
Classification: Uncertain significance. Last evaluated: 2026-01-01. Review status: criteria provided, single submitter. Criteria: Invitae Variant Classification Sherloc (09022015). Collection method: clinical testing. Allele origin: germline.
Comment: This sequence change replaces arginine, which is basic and polar, with tryptophan, which is neutral and slightly polar, at codon 1436 of the POLE protein (p.Arg1436Trp). This variant is present in population databases (rs764904030, gnomAD 0.007%). This variant has not been reported in the literature in individuals affected with POLE-related conditions. ClinVar contains an entry for this variant (Variation ID: 473659). Invitae Evidence Modeling of protein sequence and biophysical properties (such as structural, functional, and spatial information, amino acid conservation, physicochemical variation, residue mobility, and thermodynamic stability) indicates that this missense variant is expected to disrupt POLE protein function with a positive predictive value of 80%. In summary, the available evidence is currently insufficient to determine the role of this variant in disease. Therefore, it has been classified as a Variant of Uncertain Significance.

GeneDx
Classification: Uncertain significance. Last evaluated: 2024-12-10. Review status: criteria provided, single submitter. Criteria: GeneDx Variant Classification Process June 2021. Collection method: clinical testing. Allele origin: germline. Affected: yes.
Comment: Not observed at significant frequency in large population cohorts (gnomAD); In silico analysis supports that this missense variant has a deleterious effect on protein structure/function; Has not been previously published as a pathogenic or benign germline variant to our knowledge; This variant is associated with the following publications: (PMID: 29056344, 27149842)

Ambry Genetics
Classification: Uncertain significance for Hereditary cancer-predisposing syndrome. Last evaluated: 2024-12-04. Review status: criteria provided, single submitter. Criteria: Ambry Variant Classification Scheme 2023. Collection method: clinical testing. Allele origin: germline.
Comment: The p.R1436W variant (also known as c.4306C>T), located in coding exon 34 of the POLE gene, results from a C to T substitution at nucleotide position 4306. The arginine at codon 1436 is replaced by tryptophan, an amino acid with dissimilar properties. This amino acid position is highly conserved in available vertebrate species. In addition, this alteration is predicted to be deleterious by in silico analysis. Based on the available evidence, the clinical significance of this variant remains unclear.

Department of Pathology and Laboratory Medicine, Sinai Health System
Classification: Uncertain significance for Colorectal cancer, susceptibility to, 12; Facial dysmorphism-immunodeficiency-livedo-short stature syndrome; Intrauterine growth retardation, metaphyseal dysplasia, adrenal hypoplasia congenita, genital anomalies, and immunodeficiency. Last evaluated: 2024-04-26. Review status: criteria provided, single submitter. Criteria: ACMG Guidelines, 2015. Collection method: clinical testing. Allele origin: germline. Affected: no.

Institute of Human Genetics, University of Leipzig Medical Center
Classification: Uncertain significance for Colorectal cancer, susceptibility to, 12. Last evaluated: 2022-05-10. Review status: criteria provided, single submitter. Criteria: ACMG Guidelines, 2015. Collection method: clinical testing. Allele origin: unknown. Affected: yes.
Comment: _x000D_ Criteria applied: PP3

NM_006231.4(POLE):c.4306C>T (p.Arg1436Trp)

Gene: POLE (DNA polymerase epsilon, catalytic subunit; minus strand). Cytogenetic location: 12q24.33.
Variant type: single nucleotide variant.
Coding change: c.4306C>T on transcript NM_006231.4 (MANE Select); coding-DNA position 4306, C replaced by T.
Protein change: p.Arg1436Trp; replaces arginine 1436 with tryptophan.
Molecular consequence: missense variant.
Genome position (GRCh38, 1-based): chr12:132,643,545, G>A on the plus strand (C>T on the coding strand, the complement: POLE is on the minus strand). VCF-style: chr12-132643545-G-A. GRCh37 (hg19) VCF-style: chr12-133220131-G-A.
Other names: short protein forms R1436W.
Identifiers: ClinVar variation 473659 (VCV000473659.17), dbSNP rs764904030, ClinGen allele CA6892886.
Genomic context (GRCh38, chr12:132,643,545, plus strand): 5'-AAAGGTGCCTCACCAGCTGTTTATTGACCACACACACACAGCCCAGGTGCACCAGGGCCC[G>A]GAACAGTAACGGAACCTGGAAGAATCGGGCAGACAGGCCGGCAAGGGCTGGATGGTGGGG-3'
Protein context (NP_006222.2, residues 1426-1446): VYETQVPLLF[Arg1436Trp]ALVHLGCVCV